The following is an entry in ClinVar:

NM_001369.3(DNAH5):c.2714_2717dup (p.Ser906delinsArgTer)

Genes: DNAH5 (dynein axonemal heavy chain 5; minus strand), DNAH5-AS1 (DNAH5 antisense RNA 1; plus strand). Cytogenetic location: 5p15.2.
Variant type: Duplication.
Coding change: c.2714_2717dup on transcript NM_001369.3 (MANE Select); coding-DNA positions 2714 to 2717, 4 bases duplicated (ATAG; older notation c.2714_2717dupATAG).
Protein change: p.Ser906delinsArgTer.
Molecular consequence: nonsense.
Genome position (GRCh38, 1-based): chr5:13,885,990-13,885,993, CTAT duplicated on the plus strand (ATAG on the coding strand, the reverse complement: DNAH5 is on the minus strand). VCF-style (leftmost placement, unchanged base first): chr5-13885989-A-ACTAT. GRCh37 (hg19) VCF-style: chr5-13886098-A-ACTAT.
Identifiers: ClinVar variation 2881896 (VCV002881896.4), dbSNP rs2547042312, ClinGen allele CA2578270978.
Genomic context (GRCh38, chr5:13,885,989, plus strand): 5'-GAAAAACAAGACCCTTTCATTACCCCATCTCTTACCTGAACTTTCATTTTTGTAATTAAC[A>ACTAT]CTATTCTCATTGGATATTTTTTCACTTTCTTCTTCAGATAAAACTTCCACATCCAGCAAC-3'

ClinVar aggregate classification (germline): Pathogenic (1 of 4 stars; one submission).

Conditions:
Primary ciliary dyskinesia. Also called: Ciliary dyskinesia. Identifiers: Orphanet 244, MedGen C0008780, MONDO:0016575, HP:0012265.

Allele frequency attached by ClinVar (database versions not stated): gnomAD exomes below 0.00001.

Submission:

Labcorp Genetics (formerly Invitae), Labcorp
Classification: Pathogenic for Primary ciliary dyskinesia. Last evaluated: 2023-09-27. Review status: criteria provided, single submitter. Criteria: Invitae Variant Classification Sherloc (09022015). Collection method: clinical testing. Allele origin: germline.
Comment: For these reasons, this variant has been classified as Pathogenic. Algorithms developed to predict the effect of sequence changes on RNA splicing suggest that this variant may disrupt the consensus splice site. This variant has not been reported in the literature in individuals affected with DNAH5-related conditions. This variant is not present in population databases (gnomAD no frequency). This sequence change creates a premature translational stop signal (p.Ser906Argfs*2) in the DNAH5 gene. It is expected to result in an absent or disrupted protein product. Loss-of-function variants in DNAH5 are known to be pathogenic (PMID: 11788826, 16627867).

Literature cited by the submitters: PubMed 11788826; PubMed 16627867.